The following is an entry in ClinVar:

ClinVar aggregate classification (germline): Uncertain significance. Review status: criteria provided, single submitter (1 of 4 stars). 2 submissions from 2 submitters: Uncertain significance (1). 1 of the submissions does not count toward it. Last evaluated 2022-07-27.

Conditions:
Nemaline myopathy 2 (NEM2). Also called: Nemaline myopathy 2, autosomal recessive. Identifiers: MedGen C1850569, MONDO:0009725, OMIM 256030.

Allele frequency attached by ClinVar (database versions not stated): TOPMed 0.00006; 1000 Genomes Project 30x 0.00031; 1000 Genomes Project 0.00040.
gnomAD v4.1: 48 of 1,613,808 alleles (0.003%); highest among the groups gnomAD compares: Admixed American, 0.028%; no homozygotes.

Submissions (2):

Labcorp Genetics (formerly Invitae), Labcorp
Classification: Uncertain significance for Nemaline myopathy 2. Last evaluated: 2022-07-27. Review status: criteria provided, single submitter. Criteria: Invitae Variant Classification Sherloc (09022015). Collection method: clinical testing. Allele origin: germline.
Comment: This sequence change replaces isoleucine, which is neutral and non-polar, with threonine, which is neutral and polar, at codon 3156 of the NEB protein (p.Ile3156Thr). This variant is present in population databases (rs145770770, gnomAD 0.03%). This variant has not been reported in the literature in individuals affected with NEB-related conditions. ClinVar contains an entry for this variant (Variation ID: 834326). Algorithms developed to predict the effect of missense changes on protein structure and function are either unavailable or do not agree on the potential impact of this missense change (SIFT: "Deleterious"; PolyPhen-2: "Not Available"; Align-GVGD: "Class C0"). In summary, the available evidence is currently insufficient to determine the role of this variant in disease. Therefore, it has been classified as a Variant of Uncertain Significance.

Natera, Inc.
Classification: Uncertain significance for Nemaline myopathy type 2. Last evaluated: 2020-01-17. Review status: no assertion criteria provided. Collection method: clinical testing. Allele origin: germline. Not counted in ClinVar's aggregate classification.

NM_001164508.2(NEB):c.9467T>C (p.Ile3156Thr)

Gene: NEB (nebulin; minus strand). Cytogenetic location: 2q23.3.
Variant type: single nucleotide variant.
Coding change: c.9467T>C on transcript NM_001164508.2 (MANE Select); coding-DNA position 9467, T replaced by C.
Protein change: p.Ile3156Thr; replaces isoleucine 3156 with threonine.
Molecular consequence: missense variant. On other transcripts: intron variant (1).
Genome position (GRCh38, 1-based): chr2:151,631,294, A>G on the plus strand (T>C on the coding strand, the complement: NEB is on the minus strand). VCF-style: chr2-151631294-A-G. GRCh37 (hg19) VCF-style: chr2-152487808-A-G.
Other names: c.9467T>C, p.Ile3156Thr (NM_001164507.2, NM_001271208.2); c.8854-116T>C (NM_004543.5); short protein forms I3156T.
Identifiers: ClinVar variation 834326 (VCV000834326.5), dbSNP rs145770770, ClinGen allele CA1909317.